The following is an entry in ClinVar:

NM_001868.4(CPA1):c.148-18G>A

Gene: CPA1 (carboxypeptidase A1; plus strand). Cytogenetic location: 7q32.2.
Variant type: single nucleotide variant.
Coding change: c.148-18G>A on transcript NM_001868.4 (MANE Select); 18 bases into the intron before coding-DNA position 148, G replaced by A.
Molecular consequence: intron variant.
Genome position (GRCh38, 1-based): chr7:130,381,612, G>A. VCF-style: chr7-130381612-G-A. GRCh37 (hg19) VCF-style: chr7-130021453-G-A.
Identifiers: ClinVar variation 2902301 (VCV002902301.3), dbSNP rs376743118, ClinGen allele CA4484715.
Genomic context (GRCh38, chr7:130,381,612, plus strand): 5'-CGCAGGCCCTGTCCCTGCCTGCTGTCCTGGCTGGTGCCCCCAGCCCGCTGTGACCGTGCC[G>A]GCTCTTGTCCTCCCCAGCTGGACTTCTGGCGGGGGCCTGCCCACCCTGGCTCCCCCATCG-3'

ClinVar aggregate classification (germline): Uncertain significance (1 of 4 stars; one submission).

gnomAD v4.1: 20 of 1,603,436 alleles (0.0012%); highest among the groups gnomAD compares: South Asian, 0.018%; no homozygotes.

Submission:

Labcorp Genetics (formerly Invitae), Labcorp
Classification: Uncertain significance. Last evaluated: 2023-01-30. Review status: criteria provided, single submitter. Criteria: Invitae Variant Classification Sherloc (09022015). Collection method: clinical testing. Allele origin: germline.
Comment: In summary, the available evidence is currently insufficient to determine the role of this variant in disease. Therefore, it has been classified as a Variant of Uncertain Significance. Algorithms developed to predict the effect of sequence changes on RNA splicing suggest that this variant may create or strengthen a splice site. This variant has not been reported in the literature in individuals affected with CPA1-related conditions. This variant is present in population databases (rs376743118, gnomAD 0.02%). This sequence change falls in intron 2 of the CPA1 gene. It does not directly change the encoded amino acid sequence of the CPA1 protein.